The following is an entry in ClinVar:

NM_005228.5(EGFR):c.2996G>A (p.Arg999His)

Gene: EGFR (epidermal growth factor receptor; plus strand). Cytogenetic location: 7p11.2.
Variant type: single nucleotide variant.
Coding change: c.2996G>A on transcript NM_005228.5 (MANE Select); coding-DNA position 2996, G replaced by A.
Protein change: p.Arg999His; replaces arginine 999 with histidine.
Molecular consequence: missense variant.
Genome position (GRCh38, 1-based): chr7:55,201,237, G>A. VCF-style: chr7-55201237-G-A. GRCh37 (hg19) VCF-style: chr7-55268930-G-A.
Other names: c.2861G>A, p.Arg954His (NM_001346897.2, NM_001346899.2); c.2996G>A, p.Arg999His (NM_001346898.2); c.2996G>A (NM_005228.4); c.2837G>A, p.Arg946His (NM_001346900.2); c.2195G>A, p.Arg732His (NM_001346941.2); short protein forms R999H, R954H, R732H, R946H.
Identifiers: ClinVar variation 584700 (VCV000584700.13), dbSNP rs149248025, ClinGen allele CA4266235.

ClinVar aggregate classification (germline): Uncertain significance. Review status: criteria provided, multiple submitters, no conflicts (2 of 4 stars). 5 submissions from 5 submitters: Uncertain significance (5). Last evaluated 2026-08-20.

Conditions:
Hereditary cancer-predisposing syndrome. Also called: Neoplastic Syndromes, Hereditary; Tumor predisposition; Hereditary Cancer Syndrome; Hereditary neoplastic syndrome. Identifiers: Orphanet 140162, MedGen C0027672, MeSH D009386, MONDO:0015356.
Hereditary cancer. Identifiers: MedGen C1333600.
Inflammatory skin and bowel disease, neonatal, 2 (NNCIS). Identifiers: Orphanet 294023, MedGen C4015130, MONDO:0014481, OMIM 616069.
Lung cancer. Also called: Malignant tumor of lung; Lung cancer, somatic. Identifiers: MedGen C0242379, MONDO:0008903, OMIM 211980.
EGFR-related lung cancer (EGFR). Identifiers: MedGen CN130014.
EGFR-related disorder. Also called: EGFR-related condition.

Allele frequency attached by ClinVar (database versions not stated): TOPMed 0.00006; ExAC 0.00010; gnomAD 0.00013 and 0.00015; ESP Exome Variant Server 0.00015.
gnomAD v4.1: 125 of 1,613,994 alleles (0.0077%); highest among the groups gnomAD compares: Middle Eastern, 0.099%; no homozygotes.

Submissions (5):

PreventionGenetics, part of Exact Sciences
Classification: Uncertain significance for EGFR-related condition. Last evaluated: 2026-08-20. Review status: criteria provided, single submitter. Criteria: ACMG Guidelines, 2015. Collection method: clinical testing. Allele origin: germline.
Comment: The EGFR c.2996G>A variant is predicted to result in the amino acid substitution p.Arg999His. This variant was reported in a large cohort of individuals with pediatric cancer (Table S4d, Zhang et al. 2015. PubMed ID: 26580448). This variant is reported in 0.032% of alleles in individuals of African descent in gnomAD. In ClinVar, this variant is interpreted as uncertain (ID: 584700). At this time, the clinical significance of this variant is uncertain due to the absence of conclusive functional and genetic evidence.

Labcorp Genetics (formerly Invitae), Labcorp
Classification: Uncertain significance for EGFR-related lung cancer. Last evaluated: 2026-01-17. Review status: criteria provided, single submitter. Criteria: Invitae Variant Classification Sherloc (09022015). Collection method: clinical testing. Allele origin: germline.
Comment: This sequence change replaces arginine, which is basic and polar, with histidine, which is basic and polar, at codon 999 of the EGFR protein (p.Arg999His). This variant is present in population databases (rs149248025, gnomAD 0.03%). This variant has not been reported in the literature in individuals affected with EGFR-related conditions. ClinVar contains an entry for this variant (Variation ID: 584700). Invitae Evidence Modeling of protein sequence and biophysical properties (such as structural, functional, and spatial information, amino acid conservation, physicochemical variation, residue mobility, and thermodynamic stability) indicates that this missense variant is not expected to disrupt EGFR protein function with a negative predictive value of 80%. In summary, the available evidence is currently insufficient to determine the role of this variant in disease. Therefore, it has been classified as a Variant of Uncertain Significance.

Ambry Genetics
Classification: Uncertain significance for Hereditary cancer-predisposing syndrome. Last evaluated: 2025-01-16. Review status: criteria provided, single submitter. Criteria: Ambry Variant Classification Scheme 2023. Collection method: clinical testing. Allele origin: germline.
Comment: The p.R999H variant (also known as c.2996G>A), located in coding exon 25 of the EGFR gene, results from a G to A substitution at nucleotide position 2996. The arginine at codon 999 is replaced by histidine, an amino acid with highly similar properties. This variant has been reported in 1/1120 pediatric cancer patients who underwent whole genome sequencing and/or whole exome sequencing; this patient was diagnosed with ALL (Zhang J et al. N Engl J Med, 2015 Dec;373:2336-2346). This amino acid position is well conserved in available vertebrate species. In addition, this alteration is predicted to be tolerated by in silico analysis. Based on the available evidence, the clinical significance of this variant remains unclear.

Fulgent Genetics
Classification: Uncertain significance for Lung cancer; Inflammatory skin and bowel disease, neonatal, 2. Last evaluated: 2024-06-14. Review status: criteria provided, single submitter. Criteria: ACMG Guidelines, 2015. Collection method: clinical testing. Allele origin: germline.

Mendelics
Classification: Uncertain significance for Hereditary cancer. Last evaluated: 2018-07-02. Review status: criteria provided, single submitter. Criteria: Mendelics Assertion Criteria 2017. Collection method: clinical testing. Allele origin: unknown.

Literature cited by the submitters: PubMed 26580448 (cited by Ambry Genetics).